The following is an entry in ClinVar:

NM_000091.5(COL4A3):c.1871del (p.Pro624fs)

Genes: COL4A3 (collagen type IV alpha 3 chain; plus strand), MFF-DT (MFF divergent transcript; minus strand). Cytogenetic location: 2q36.3.
Variant type: Deletion.
Coding change: c.1871del on transcript NM_000091.5 (MANE Select); coding-DNA position 1871, one base deleted (C; older notation c.1871delC).
Protein change: p.Pro624fs; shifts the reading frame from proline 624.
Molecular consequence: frameshift variant.
Genome position (GRCh38, 1-based): chr2:227,273,061, C deleted; the last of 2 consecutive C bases (chr2:227,273,060-227,273,061); deleting either gives the same sequence. VCF-style (leftmost placement, unchanged base first): chr2-227273059-AC-A. GRCh37 (hg19) VCF-style: chr2-228137775-AC-A.
Other names: c.1871delC, p.Pro624Leufs (NM_000091.4); short protein forms P624fs.
Identifiers: ClinVar variation 4817207 (VCV004817207.1).

ClinVar aggregate classification (germline): Likely pathogenic (1 of 4 stars; one submission).

Conditions:
Alport syndrome. Also called: Hemorrhagic familial nephritis; Hemorrhagic hereditary nephritis; Congenital hereditary hematuria. Identifiers: Orphanet 63, MedGen C1567741, MONDO:0018965.

Submission:

Natera, Inc.
Classification: Likely pathogenic for Alport syndrome. Last evaluated: 2024-08-30. Review status: criteria provided, single submitter. Criteria: Natera Variant Classification Schema (03/2026). Collection method: clinical testing. Allele origin: germline.
Comment: The c.1871del variant in COL4A3 is a frameshift variant predicted to shift the reading frame beginning at codon 624 and leads to a stop codon 123 codons downstream. This variant is expected to result in nonsense mediated decay, truncation, or a dysfunctional protein product. This variant is rare in the general population with a frequency below the threshold expected for the associated phenotype(s). Given the available evidence, this variant is classified as Likely Pathogenic.